The following is an entry in ClinVar:

NM_000287.4(PEX6):c.954del (p.Arg319fs)

Gene: PEX6 (peroxisomal biogenesis factor 6; minus strand). Cytogenetic location: 6p21.1.
Variant type: Deletion.
Coding change: c.954del on transcript NM_000287.4 (MANE Select); coding-DNA position 954, one base deleted (C; older notation c.954delC).
Protein change: p.Arg319fs; shifts the reading frame from arginine 319.
Molecular consequence: frameshift variant. On other transcripts: non-coding transcript variant (1).
Genome position (GRCh38, 1-based): chr6:42,974,967, G deleted on the plus strand (C on the coding strand, the reverse complement: PEX6 is on the minus strand); the first of 2 consecutive G bases (chr6:42,974,967-42,974,968); deleting either gives the same sequence. VCF-style (leftmost placement, unchanged base first): chr6-42974966-TG-T. GRCh37 (hg19) VCF-style: chr6-42942704-TG-T.
Other names: c.690del, p.Arg231fs (NM_001316313.2); short protein forms R231fs, R319fs.
Identifiers: ClinVar variation 1725046 (VCV001725046.2), dbSNP rs2481258347, ClinGen allele CA2580074614.

ClinVar aggregate classification (germline): Likely pathogenic (1 of 4 stars; one submission).

Conditions:
Peroxisome biogenesis disorder 4A (Zellweger) (PBD4A). Also called: Zellweger syndrome spectrum (PEX6-related). Identifiers: Orphanet 912, MedGen C3553936, MONDO:0013930, OMIM 614862. Disease mechanism: loss of function.

Submission:

Myriad Genetics, Inc.
Classification: Likely pathogenic for Peroxisome biogenesis disorder 4A (Zellweger). Last evaluated: 2022-03-06. Review status: criteria provided, single submitter. Criteria: Myriad Women's Health Autosomal Recessive and X-Linked Classification Criteria (2021). Collection method: clinical testing. Allele origin: unknown.
Comment: NM_000287.3(PEX6):c.954delC(R319Efs*32) is expected to be pathogenic in the context of peroxisome biogenesis disorder type 4. This variant is predicted to lead to an abnormal or absent protein product due to the creation of a premature termination codon in PEX6, a gene where loss-of-function variants are known to be pathogenic. Please note: this variant was assessed in the context of healthy population screening.